The following is an entry in ClinVar:

ClinVar aggregate classification (germline): Likely benign. Review status: criteria provided, multiple submitters, no conflicts (2 of 4 stars). 2 submissions from 2 submitters: Likely benign (2). Last evaluated 2026-04-01.

Allele frequency attached by ClinVar (database versions not stated): gnomAD 0.00001.
gnomAD v4.1: 3 of 1,548,644 alleles (0.00019%); highest among the groups gnomAD compares: Admixed American, 0.0059%; no homozygotes.

Submissions (2):

CeGaT Center for Human Genetics Tuebingen
Classification: Likely benign. Last evaluated: 2026-04-01. Review status: criteria provided, single submitter. Criteria: CeGaT Center For Human Genetics Tuebingen Variant Classification Criteria Version 2. Collection method: clinical testing. Allele origin: germline. Affected: yes. Observed: 1 variant allele.
Comment: EYS: BP4, BP7

Labcorp Genetics (formerly Invitae), Labcorp
Classification: Likely benign. Last evaluated: 2023-03-15. Review status: criteria provided, single submitter. Criteria: Invitae Variant Classification Sherloc (09022015). Collection method: clinical testing. Allele origin: germline.

NM_001142800.2(EYS):c.9294C>T (p.Ile3098=)

Genes: EYS (EGF-like photoreceptor maintenance factor; minus strand), PHF3 (PHD finger protein 3; plus strand). Cytogenetic location: 6q12.
Variant type: single nucleotide variant.
Coding change: c.9294C>T on transcript NM_001142800.2 (MANE Select); coding-DNA position 9294, C replaced by T.
Protein change: p.Ile3098=; no amino-acid change (isoleucine 3098 retained).
Molecular consequence: synonymous variant. On other transcripts: 3 prime UTR variant (5).
Genome position (GRCh38, 1-based): chr6:63,720,737, G>A on the plus strand (C>T on the coding strand, the complement: EYS is on the minus strand). VCF-style: chr6-63720737-G-A. GRCh37 (hg19) VCF-style: chr6-64430633-G-A.
Other names: c.*7029G>A (NM_001290259.2, NM_001370348.2, NM_001370349.2 and 2 more transcripts); c.9357C>T, p.Ile3119= (NM_001292009.2).
Identifiers: ClinVar variation 1089879 (VCV001089879.11), dbSNP rs1768344840, ClinGen allele CA450861975.